The following is an entry in ClinVar:

ClinVar aggregate classification (germline): Uncertain significance (1 of 4 stars; one submission).

Allele frequency attached by ClinVar (database versions not stated): gnomAD 0.00001; gnomAD exomes 0.00001; TOPMed 0.00002.
gnomAD v4.1: 8 of 1,583,132 alleles (0.00051%); highest among the groups gnomAD compares: African/African-American, 0.0027%; no homozygotes.

Submission:

Labcorp Genetics (formerly Invitae), Labcorp
Classification: Uncertain significance. Last evaluated: 2022-03-10. Review status: criteria provided, single submitter. Criteria: Invitae Variant Classification Sherloc (09022015). Collection method: clinical testing. Allele origin: germline.
Comment: This sequence change replaces glutamic acid, which is acidic and polar, with glycine, which is neutral and non-polar, at codon 482 of the IFT74 protein (p.Glu482Gly). This variant is present in population databases (no rsID available, gnomAD 0.01%). In summary, the available evidence is currently insufficient to determine the role of this variant in disease. Therefore, it has been classified as a Variant of Uncertain Significance. Algorithms developed to predict the effect of missense changes on protein structure and function (SIFT, PolyPhen-2, Align-GVGD) all suggest that this variant is likely to be tolerated. This variant has not been reported in the literature in individuals affected with IFT74-related conditions.

NM_025103.4(IFT74):c.1445A>G (p.Glu482Gly)

Gene: IFT74 (intraflagellar transport 74; plus strand). Cytogenetic location: 9p21.2.
Variant type: single nucleotide variant.
Coding change: c.1445A>G on transcript NM_025103.4 (MANE Select); coding-DNA position 1445, A replaced by G.
Protein change: p.Glu482Gly; replaces glutamic acid 482 with glycine.
Molecular consequence: missense variant.
Genome position (GRCh38, 1-based): chr9:27,055,720, A>G. VCF-style: chr9-27055720-A-G. GRCh37 (hg19) VCF-style: chr9-27055718-A-G.
Other names: c.1445A>G, p.Glu482Gly (NM_001099222.3, NM_001099223.3, NM_001349928.2); short protein forms E482G.
Identifiers: ClinVar variation 1976760 (VCV001976760.4), dbSNP rs899040450, ClinGen allele CA191355713.